The following is an entry in ClinVar:

NM_004320.6(ATP2A1):c.1620G>A (p.Pro540=)

Gene: ATP2A1 (ATPase sarcoplasmic/endoplasmic reticulum Ca2+ transporting 1; plus strand). Cytogenetic location: 16p11.2.
Variant type: single nucleotide variant.
Coding change: c.1620G>A on transcript NM_004320.6 (MANE Select); coding-DNA position 1620, G replaced by A.
Protein change: p.Pro540=; no amino-acid change (proline 540 retained).
Molecular consequence: synonymous variant.
Genome position (GRCh38, 1-based): chr16:28,898,307, G>A. VCF-style: chr16-28898307-G-A. GRCh37 (hg19) VCF-style: chr16-28909628-G-A.
Other names: p.Pro540=; c.1245G>A, p.Pro415= (NM_001286075.2); c.1620G>A, p.Pro540= (NM_173201.5); c.1620G>A (NM_173201.4).
Identifiers: ClinVar variation 1152844 (VCV001152844.10), dbSNP rs184560545, ClinGen allele CA7987038.

ClinVar aggregate classification (germline): Likely benign. Review status: criteria provided, multiple submitters, no conflicts (2 of 4 stars). 2 submissions from 2 submitters: Likely benign (2). Last evaluated 2025-08-05.

Conditions:
Brody myopathy. Also called: BRODY DISEASE. Identifiers: Orphanet 53347, MedGen C1832918, MONDO:0010977, OMIM 601003.

Allele frequency attached by ClinVar (database versions not stated): gnomAD 0.00003; TOPMed 0.00003; 1000 Genomes Project 30x 0.00031.
gnomAD v4.1: 39 of 1,614,226 alleles (0.0024%); highest among the groups gnomAD compares: East Asian, 0.02%; no homozygotes.

Submissions (2):

Mayo Clinic Laboratories, Mayo Clinic
Classification: Likely benign. Last evaluated: 2025-08-05. Review status: criteria provided, single submitter. Criteria: ACMG Guidelines, 2015. Collection method: clinical testing. Allele origin: germline. Observed: 1 variant allele.
Comment: BP4, BP7

Labcorp Genetics (formerly Invitae), Labcorp
Classification: Likely benign for Brody myopathy. Last evaluated: 2024-02-17. Review status: criteria provided, single submitter. Criteria: Invitae Variant Classification Sherloc (09022015). Collection method: clinical testing. Allele origin: germline.